The following is an entry in ClinVar:

ClinVar aggregate classification (germline): Benign (1 of 4 stars; one submission).

Conditions:
Multiple endocrine neoplasia type 2A. Also called: Multiple Endocrine Neoplasia Type 2A (MEN2A); MULTIPLE ENDOCRINE NEOPLASIA, TYPE IIA; PTC SYNDROME; SIPPLE SYNDROME; MEN 2A; MEN-2A syndrome. Identifiers: Orphanet 247698, Orphanet 653, MedGen C0025268, MeSH D018813, MONDO:0008234, OMIM 171400.

Submission:

Myriad Genetics, Inc.
Classification: Benign for Multiple endocrine neoplasia type 2A. Last evaluated: 2025-02-25. Review status: criteria provided, single submitter. Criteria: Myriad Autosomal Dominant, Autosomal Recessive and X-Linked Classification Criteria (2023). Collection method: clinical testing. Allele origin: unknown.
Comment: This variant is considered benign. This variant is a silent/synonymous amino acid change and it is not expected to impact splicing.

NM_020975.6(RET):c.1014C>A (p.Thr338=)

Gene: RET (ret proto-oncogene; plus strand). Cytogenetic location: 10q11.21.
Variant type: single nucleotide variant.
Coding change: c.1014C>A on transcript NM_020975.6 (MANE Select); coding-DNA position 1014, C replaced by A.
Protein change: p.Thr338=; no amino-acid change (threonine 338 retained).
Molecular consequence: synonymous variant. On other transcripts: intron variant (25).
Genome position (GRCh38, 1-based): chr10:43,106,522, C>A. VCF-style: chr10-43106522-C-A. GRCh37 (hg19) VCF-style: chr10-43601970-C-A.
Other names: c.252C>A, p.Thr84= (NM_001355216.2); c.1014C>A, p.Thr338= (NM_001406743.1, NM_001406744.1, NM_001406759.1 and 4 more transcripts); c.885C>A, p.Thr295= (NM_001406761.1, NM_001406762.1, NM_001406764.1 and 1 more transcripts); c.726C>A, p.Thr242= (NM_001406766.1, NM_001406767.1, NM_001406770.1); c.867+1329C>A (NM_001406772.1, NM_001406769.1); c.626-2509C>A (NM_001406773.1, NM_001406771.1); c.625+3893C>A (NM_001406782.1, NM_001406780.1, NM_001406779.1 and 3 more transcripts); c.738+1329C>A (NM_001406774.1); and 5 more.
Identifiers: ClinVar variation 3904611 (VCV003904611.1).
Genomic context (GRCh38, chr10:43,106,522, plus strand): 5'-GCTCCCCGGGGACACCTGGGCCCAGCAGACCTTCCGGGTGGAACACTGGCCCAACGAGAC[C>A]TCGGTCCAGGCCAACGGCAGCTTCGTGCGGGCGACCGTACATGACTATAGTAAGAGGGGC-3'
Protein context (NP_066124.1, residues 328-348): TFRVEHWPNE[Thr338=]SVQANGSFVR